The following is an entry in ClinVar:

NM_001003699.4(RREB1):c.4230G>A (p.Ala1410=)

Gene: RREB1 (ras responsive element binding protein 1; plus strand). Cytogenetic location: 6p24.3.
Variant type: single nucleotide variant.
Coding change: c.4230G>A on transcript NM_001003699.4 (MANE Select); coding-DNA position 4230, G replaced by A.
Protein change: p.Ala1410=; no amino-acid change (alanine 1410 retained).
Molecular consequence: synonymous variant. On other transcripts: intron variant (1).
Genome position (GRCh38, 1-based): chr6:7,246,680, G>A. VCF-style: chr6-7246680-G-A. GRCh37 (hg19) VCF-style: chr6-7246913-G-A.
Other names: c.4065G>A, p.Ala1355= (NM_001003698.4, NM_001168344.2); c.3974-1831G>A (NM_001003700.2).
Identifiers: ClinVar variation 785157 (VCV000785157.21), dbSNP rs115475946, ClinGen allele CA3626412.
Genomic context (GRCh38, chr6:7,246,680, plus strand): 5'-GGAGGAGGAGCATGGCACTGAGGAGAGCACTGGGGACGCCGACGGCGCGGAAGAGGACGC[G>A]TCGAGCAACCAGAGCCTGGACCTGGACTTCGCCACCAAGCTCATGGACTTCAAGCTGGCG-3'
Protein context (NP_001003699.1, residues 1400-1420): TGDADGAEED[Ala1410=]SSNQSLDLDF

ClinVar aggregate classification (germline): Benign/Likely benign. Review status: criteria provided, multiple submitters, no conflicts (2 of 4 stars). 4 submissions from 4 submitters: Benign (2); Likely benign (1). 1 of the submissions does not count toward it. Last evaluated 2026-05-11.

Conditions:
RREB1-related disorder. Also called: RREB1-related condition.

Allele frequency attached by ClinVar (database versions not stated): ExAC 0.00423; 1000 Genomes Project 30x 0.00078; 1000 Genomes Project 0.00080; ESP Exome Variant Server 0.00170; gnomAD 0.00178 and 0.00180; TOPMed 0.00219.
gnomAD v4.1: 3,239 of 1,582,930 alleles (0.2%); highest among the groups gnomAD compares: Non-Finnish European, 0.25%; 7 homozygotes.

Submissions (4):

Women's Health and Genetics/Laboratory Corporation of America, LabCorp
Classification: Benign. Last evaluated: 2026-05-11. Review status: criteria provided, single submitter. Criteria: LabCorp Variant Classification Summary - May 2015. Collection method: clinical testing. Allele origin: germline.

CeGaT Center for Human Genetics Tuebingen
Classification: Likely benign. Last evaluated: 2026-05-01. Review status: criteria provided, single submitter. Criteria: CeGaT Center For Human Genetics Tuebingen Variant Classification Criteria Version 2. Collection method: clinical testing. Allele origin: germline. Affected: yes. Observed: 4 variant alleles.
Comment: RREB1: BP4, BP7, BS1

Labcorp Genetics (formerly Invitae), Labcorp
Classification: Benign. Last evaluated: 2019-12-31. Review status: criteria provided, single submitter. Criteria: Invitae Variant Classification Sherloc (09022015). Collection method: clinical testing. Allele origin: germline.

PreventionGenetics, part of Exact Sciences
Classification: Likely benign for RREB1-related condition. Last evaluated: 2019-04-24. Review status: no assertion criteria provided. Collection method: clinical testing. Allele origin: germline. Not counted in ClinVar's aggregate classification.
Comment: This variant is classified as likely benign based on ACMG/AMP sequence variant interpretation guidelines (Richards et al. 2015 PMID: 25741868, with internal and published modifications).